The following is an entry in ClinVar:

ClinVar aggregate classification (germline): Likely benign (1 of 4 stars; one submission).

Submission:

Women's Health and Genetics/Laboratory Corporation of America, LabCorp
Classification: Likely benign. Last evaluated: 2025-04-09. Review status: criteria provided, single submitter. Criteria: LabCorp Variant Classification Summary - May 2015. Collection method: clinical testing. Allele origin: germline.
Comment: Variant summary: KAT6A c.3120G>A results in a synonymous change. Consensus agreement among computation tools predict no significant impact on normal splicing. However, these predictions have yet to be confirmed by functional studies. The variant was absent in 251458 control chromosomes. The available data on variant occurrences in the general population are insufficient to allow any conclusion about variant significance. To our knowledge, no occurrence of c.3120G>A in individuals affected with Arboleda-Tham Syndrome and no experimental evidence demonstrating its impact on protein function have been reported. No submitters have cited clinical-significance assessments for this variant to ClinVar. Based on the evidence outlined above, the variant was classified as likely benign.

NM_006766.5(KAT6A):c.3120G>A (p.Glu1040=)

Gene: KAT6A (lysine acetyltransferase 6A; minus strand). Cytogenetic location: 8p11.21.
Variant type: single nucleotide variant.
Coding change: c.3120G>A on transcript NM_006766.5 (MANE Select); coding-DNA position 3120, G replaced by A.
Protein change: p.Glu1040=; no amino-acid change (glutamic acid 1040 retained).
Molecular consequence: synonymous variant.
Genome position (GRCh38, 1-based): chr8:41,937,488, C>T on the plus strand (G>A on the coding strand, the complement: KAT6A is on the minus strand). VCF-style: chr8-41937488-C-T. GRCh37 (hg19) VCF-style: chr8-41795006-C-T.
Identifiers: ClinVar variation 3896364 (VCV003896364.2).